The following is an entry in ClinVar:

NM_000186.4(CFH):c.2204A>G (p.His735Arg)

Gene: CFH (complement factor H; plus strand). Cytogenetic location: 1q31.3.
Variant type: single nucleotide variant.
Coding change: c.2204A>G on transcript NM_000186.4 (MANE Select); coding-DNA position 2204, A replaced by G.
Protein change: p.His735Arg; replaces histidine 735 with arginine.
Molecular consequence: missense variant.
Genome position (GRCh38, 1-based): chr1:196,726,908, A>G. VCF-style: chr1-196726908-A-G. GRCh37 (hg19) VCF-style: chr1-196696038-A-G.
Other names: p.His735Arg; short protein forms H735R.
Identifiers: ClinVar variation 2682684 (VCV002682684.2), dbSNP rs1165697622, ClinGen allele CA343989872.

ClinVar aggregate classification (germline): Uncertain significance. Review status: criteria provided, multiple submitters, no conflicts (2 of 4 stars). 2 submissions from 2 submitters: Uncertain significance (2). Last evaluated 2024-02-06.

Conditions:
Hemolytic uremic syndrome, atypical, susceptibility to, 1. Also called: AHUS, SUSCEPTIBILITY TO, 1. Identifiers: Orphanet 2134, Orphanet 90038, MedGen C2749604, MONDO:0009335, OMIM 235400. Disease mechanism: Other.
Factor H deficiency (CFHD). Also called: COMPLEMENT FACTOR H DEFICIENCY; CFH DEFICIENCY. Identifiers: Orphanet 200421, MedGen C0398777, MONDO:0012350, OMIM 609814.
Age related macular degeneration 4. Identifiers: MedGen C1853147, MONDO:0012540, OMIM 610698.
Basal laminar drusen. Also called: DRUSEN OF BRUCH MEMBRANE; DRUSEN, CUTICULAR; DRUSEN, EARLY ADULT-ONSET, GROUPED. Identifiers: Orphanet 75376, MedGen C0730295, MONDO:0007472, OMIM 126700.

Allele frequency attached by ClinVar (database versions not stated): gnomAD 0.00001; TOPMed 0.00001.
gnomAD v4.1: 1 of 1,613,618 alleles (0.000062%); highest among the groups gnomAD compares: African/African-American, 0.0013%; no homozygotes.

Submissions (2):

Fulgent Genetics
Classification: Uncertain significance for Basal laminar drusen; Hemolytic uremic syndrome, atypical, susceptibility to, 1; Factor H deficiency; Age related macular degeneration 4. Last evaluated: 2024-02-06. Review status: criteria provided, single submitter. Criteria: ACMG Guidelines, 2015. Collection method: clinical testing. Allele origin: germline.

Mayo Clinic Laboratories, Mayo Clinic
Classification: Uncertain significance. Last evaluated: 2022-02-15. Review status: criteria provided, single submitter. Criteria: ACMG Guidelines, 2015. Collection method: clinical testing. Allele origin: germline. Observed: 1 variant allele.
Comment: BP4, PM2